The following is an entry in ClinVar:

NM_001127208.3(TET2):c.920T>G (p.Leu307Arg)

Genes: TET2 (tet methylcytosine dioxygenase 2; plus strand), TET2-AS1 (TET2 antisense RNA 1; minus strand). Cytogenetic location: 4q24.
Variant type: single nucleotide variant.
Coding change: c.920T>G on transcript NM_001127208.3 (MANE Select); coding-DNA position 920, T replaced by G.
Protein change: p.Leu307Arg; replaces leucine 307 with arginine.
Molecular consequence: missense variant.
Genome position (GRCh38, 1-based): chr4:105,234,862, T>G. VCF-style: chr4-105234862-T-G. GRCh37 (hg19) VCF-style: chr4-106156019-T-G.
Other names: c.920T>G, p.Leu307Arg (NM_017628.4); c.920T>G (NM_001127208.2); short protein forms L307R.
Identifiers: ClinVar variation 135325 (VCV000135325.3), dbSNP rs145125867, ClinGen allele CA162390.

ClinVar aggregate classification (germline): Uncertain significance. Review status: criteria provided, multiple submitters, no conflicts (2 of 4 stars). 3 submissions from 3 submitters: Uncertain significance (2). 1 of the submissions does not count toward it. Last evaluated 2025-06-17.

Conditions:
Immunodeficiency 75. Also called: IMMUNODEFICIENCY 75 WITH LYMPHOPROLIFERATION. Identifiers: Orphanet 664729, MedGen C5436860, MONDO:0030858, OMIM 619126.

Allele frequency attached by ClinVar (database versions not stated): gnomAD exomes 0.00006 and 0.00012; gnomAD 0.00005 and 0.00006; TOPMed 0.00006; ExAC 0.00003; ESP Exome Variant Server 0.00015.
gnomAD v4.1: 185 of 1,613,964 alleles (0.011%); highest among the groups gnomAD compares: Non-Finnish European, 0.015%; no homozygotes.

Submissions (3):

Revvity Omics, Revvity
Classification: Uncertain significance for Immunodeficiency 75. Last evaluated: 2025-06-17. Review status: criteria provided, single submitter. Criteria: ACMG Guidelines, 2015. Collection method: clinical testing. Allele origin: germline.

Labcorp Genetics (formerly Invitae), Labcorp
Classification: Uncertain significance. Last evaluated: 2023-01-21. Review status: criteria provided, single submitter. Criteria: Invitae Variant Classification Sherloc (09022015). Collection method: clinical testing. Allele origin: germline.
Comment: This variant has not been reported in the literature in individuals affected with TET2-related conditions. In summary, the available evidence is currently insufficient to determine the role of this variant in disease. Therefore, it has been classified as a Variant of Uncertain Significance. Algorithms developed to predict the effect of missense changes on protein structure and function are either unavailable or do not agree on the potential impact of this missense change (SIFT: "Deleterious"; PolyPhen-2: "Benign"; Align-GVGD: "Class C0"). ClinVar contains an entry for this variant (Variation ID: 135325). This variant is present in population databases (rs145125867, gnomAD 0.01%). This sequence change replaces leucine, which is neutral and non-polar, with arginine, which is basic and polar, at codon 307 of the TET2 protein (p.Leu307Arg).

ITMI
No classification provided. Condition: AllHighlyPenetrant. Last evaluated: 2013-09-19. Review status: no classification provided. Collection method: reference population. Allele origin: germline. Not counted in ClinVar's aggregate classification.
Comment: Please see associated publication for description of ethnicities

Literature cited by the submitters: PubMed 24728327 (cited by ITMI).